The following is an entry in ClinVar:

NM_001379270.1(CNGA1):c.920T>C (p.Ile307Thr)

Genes: CNGA1 (cyclic nucleotide gated channel subunit alpha 1; minus strand), LOC101927157 (uncharacterized LOC101927157; plus strand). Cytogenetic location: 4p12.
Variant type: single nucleotide variant.
Coding change: c.920T>C on transcript NM_001379270.1 (MANE Select); coding-DNA position 920, T replaced by C.
Protein change: p.Ile307Thr; replaces isoleucine 307 with threonine.
Molecular consequence: missense variant.
Genome position (GRCh38, 1-based): chr4:47,937,562, A>G on the plus strand (T>C on the coding strand, the complement: CNGA1 is on the minus strand). VCF-style: chr4-47937562-A-G. GRCh37 (hg19) VCF-style: chr4-47939579-A-G.
Other names: c.932T>C (NM_000087.3); c.920T>C, p.Ile307Thr (NM_000087.5, NM_001142564.2); short protein forms I307T.
Identifiers: ClinVar variation 1055408 (VCV001055408.8), dbSNP rs567427901, ClinGen allele CA2911168.

ClinVar aggregate classification (germline): Uncertain significance. Review status: criteria provided, multiple submitters, no conflicts (2 of 4 stars). 3 submissions from 3 submitters: Uncertain significance (3). Last evaluated 2026-06-28.

Conditions:
CNGA1-related disorder. Also called: CNGA1-related condition.

Allele frequency attached by ClinVar (database versions not stated): gnomAD exomes 0.00004 and 0.00006; ExAC 0.00006; gnomAD 0.00001.
gnomAD v4.1: 64 of 1,614,080 alleles (0.004%); highest among the groups gnomAD compares: South Asian, 0.064%; 1 homozygote.

Submissions (3):

PreventionGenetics, part of Exact Sciences
Classification: Uncertain significance for CNGA1-related condition. Last evaluated: 2026-06-28. Review status: criteria provided, single submitter. Criteria: ACMG Guidelines, 2015. Collection method: clinical testing. Allele origin: germline.
Comment: The CNGA1 c.932T>C variant is predicted to result in the amino acid substitution p.Ile311Thr. To our knowledge, this variant has not been reported in the literature. This variant is present in 0.049% of alleles in individuals of South Asian descent in gnomAD. Population data indicate this variant occurs on the same allele as the variant c.1186A>G (p.Ile396Val). At this time, the clinical significance of this variant is uncertain due to the absence of conclusive functional and genetic evidence.

Labcorp Genetics (formerly Invitae), Labcorp
Classification: Uncertain significance. Last evaluated: 2022-02-24. Review status: criteria provided, single submitter. Criteria: Invitae Variant Classification Sherloc (09022015). Collection method: clinical testing. Allele origin: germline.
Comment: This sequence change replaces isoleucine, which is neutral and non-polar, with threonine, which is neutral and polar, at codon 311 of the CNGA1 protein (p.Ile311Thr). This variant is present in population databases (rs567427901, gnomAD 0.06%). This variant has not been reported in the literature in individuals affected with CNGA1-related conditions. ClinVar contains an entry for this variant (Variation ID: 1055408). Algorithms developed to predict the effect of missense changes on protein structure and function are either unavailable or do not agree on the potential impact of this missense change (SIFT: "Deleterious"; PolyPhen-2: "Benign"; Align-GVGD: "Class C65"). In summary, the available evidence is currently insufficient to determine the role of this variant in disease. Therefore, it has been classified as a Variant of Uncertain Significance.

Blueprint Genetics
Classification: Uncertain significance. Last evaluated: 2022-01-03. Review status: criteria provided, single submitter. Criteria: ACMG Guidelines, 2015. Collection method: clinical testing. Allele origin: germline.